The following is an entry in ClinVar:

ClinVar aggregate classification (germline): Conflicting classifications of pathogenicity. Review status: criteria provided, conflicting classifications (1 of 4 stars). 2 submissions from 2 submitters: Uncertain significance (1); Likely benign (1). Last evaluated 2024-06-11.

Conditions:
Hereditary cancer-predisposing syndrome. Also called: Neoplastic Syndromes, Hereditary; Tumor predisposition; Hereditary neoplastic syndrome; Hereditary Cancer Syndrome. Identifiers: Orphanet 140162, MedGen C0027672, MeSH D009386, MONDO:0015356.
Rhabdoid tumor predisposition syndrome 2 (RTPS2). Identifiers: Orphanet 231108, Orphanet 69077, MedGen C2750074, MONDO:0013224, OMIM 613325.

Allele frequency attached by ClinVar (database versions not stated): gnomAD exomes below 0.00001; gnomAD 0.00001; TOPMed 0.00001.
gnomAD v4.1: 3 of 1,552,468 alleles (0.00019%); highest among the groups gnomAD compares: Non-Finnish European, 0.00017%; no homozygotes.

Submissions (2):

Labcorp Genetics (formerly Invitae), Labcorp
Classification: Uncertain significance for Rhabdoid tumor predisposition syndrome 2. Last evaluated: 2024-06-11. Review status: criteria provided, single submitter. Criteria: Invitae Variant Classification Sherloc (09022015). Collection method: clinical testing. Allele origin: germline.
Comment: This sequence change replaces arginine, which is basic and polar, with tryptophan, which is neutral and slightly polar, at codon 1640 of the SMARCA4 protein (p.Arg1640Trp). This variant is not present in population databases (gnomAD no frequency). This variant has not been reported in the literature in individuals affected with SMARCA4-related conditions. ClinVar contains an entry for this variant (Variation ID: 579255). Advanced modeling of protein sequence and biophysical properties (such as structural, functional, and spatial information, amino acid conservation, physicochemical variation, residue mobility, and thermodynamic stability) performed at Invitae indicates that this missense variant is not expected to disrupt SMARCA4 protein function with a negative predictive value of 95%. In summary, the available evidence is currently insufficient to determine the role of this variant in disease. Therefore, it has been classified as a Variant of Uncertain Significance.

Ambry Genetics
Classification: Likely benign for Hereditary cancer-predisposing syndrome. Last evaluated: 2023-10-30. Review status: criteria provided, single submitter. Criteria: Ambry Variant Classification Scheme 2023. Collection method: clinical testing. Allele origin: germline.

Literature cited by the submitters: PubMed 31419753 (cited by Ambry Genetics).

NM_003072.5(SMARCA4):c.4822C>T (p.Arg1608Trp)

Gene: SMARCA4 (SWI/SNF related BAF chromatin remodeling complex subunit ATPase 4; plus strand). Cytogenetic location: 19p13.2.
Variant type: single nucleotide variant.
Coding change: c.4822C>T on transcript NM_003072.5 (MANE Select); coding-DNA position 4822, C replaced by T.
Protein change: p.Arg1608Trp; replaces arginine 1608 with tryptophan.
Molecular consequence: missense variant. On other transcripts: non-coding transcript variant (1).
Genome position (GRCh38, 1-based): chr19:11,060,098, C>T. VCF-style: chr19-11060098-C-T. GRCh37 (hg19) VCF-style: chr19-11170774-C-T.
Other names: c.4822C>T, p.Arg1608Trp (NM_001128844.3); c.4732C>T, p.Arg1578Trp (NM_001128845.2); c.4729C>T, p.Arg1577Trp (NM_001128846.2); c.4723C>T, p.Arg1575Trp (NM_001128847.4, NM_001374457.1); c.4720C>T, p.Arg1574Trp (NM_001128848.2); c.4918C>T, p.Arg1640Trp (NM_001128849.3, NM_001387283.1); short protein forms R1640W, R1574W, R1575W, R1577W, R1608W, R1578W.
Identifiers: ClinVar variation 579255 (VCV000579255.11), dbSNP rs1568565786, ClinGen allele CA404080549.